The following is an entry in ClinVar:

ClinVar aggregate classification (germline): Uncertain significance (1 of 4 stars; one submission).

Submission:

CeGaT Center for Human Genetics Tuebingen
Classification: Uncertain significance. Last evaluated: 2023-07-01. Review status: criteria provided, single submitter. Criteria: CeGaT Center For Human Genetics Tuebingen Variant Classification Criteria Version 2. Collection method: clinical testing. Allele origin: germline. Affected: yes. Observed: 1 variant allele.
Comment: SCAF4: PM2, PVS1:Moderate

NM_020706.2(SCAF4):c.1030C>T (p.Arg344Ter)

Gene: SCAF4 (SR-related CTD associated factor 4; minus strand). Cytogenetic location: 21q22.11.
Variant type: single nucleotide variant.
Coding change: c.1030C>T on transcript NM_020706.2 (MANE Select); coding-DNA position 1030, C replaced by T.
Protein change: p.Arg344Ter; replaces arginine 344 with a stop codon.
Molecular consequence: nonsense.
Genome position (GRCh38, 1-based): chr21:31,696,151, G>A on the plus strand (C>T on the coding strand, the complement: SCAF4 is on the minus strand). VCF-style: chr21-31696151-G-A. GRCh37 (hg19) VCF-style: chr21-33068464-G-A.
Other names: c.985C>T, p.Arg329Ter (NM_001145444.1); c.1030C>T, p.Arg344Ter (NM_001145445.1); short protein forms R329*, R344*.
Identifiers: ClinVar variation 2578913 (VCV002578913.25), dbSNP rs2123554143, ClinGen allele CA410048408.